The following is an entry in ClinVar:

NM_153717.3(EVC):c.682C>G (p.Leu228Val)

Gene: EVC (EvC ciliary complex subunit 1; plus strand). Cytogenetic location: 4p16.2.
Variant type: single nucleotide variant.
Coding change: c.682C>G on transcript NM_153717.3 (MANE Select); coding-DNA position 682, C replaced by G.
Protein change: p.Leu228Val; replaces leucine 228 with valine.
Molecular consequence: missense variant.
Genome position (GRCh38, 1-based): chr4:5,733,415, C>G. VCF-style: chr4-5733415-C-G. GRCh37 (hg19) VCF-style: chr4-5735142-C-G.
Other names: c.682C>G, p.Leu228Val (NM_001306090.2, NM_001306092.2); short protein forms L228V.
Identifiers: ClinVar variation 4251526 (VCV004251526.2).
Genomic context (GRCh38, chr4:5,733,415, plus strand): 5'-GACGTTGACCTGTGTATCTACAGCCTTCACTTAAAAGACCTGCTGCATTTGGACACGGCA[C>G]TGAGGCAGGAAAAGCATATGGTAGGTGGAGATGTTCGCATTCCCTCCTTTTCATGGGGAC-3'
Protein context (NP_714928.1, residues 218-238): LKDLLHLDTA[Leu228Val]RQEKHMMFIQ

ClinVar aggregate classification (germline): Uncertain significance. Review status: criteria provided, multiple submitters, no conflicts (2 of 4 stars). 2 submissions from 2 submitters: Uncertain significance (2). Last evaluated 2025-09-17.

Conditions:
Inborn genetic diseases. Identifiers: MedGen C0950123, MeSH D030342.
Curry-Hall syndrome (WAD). Also called: WEYERS ACRODENTAL DYSOSTOSIS. Identifiers: Orphanet 952, MedGen C0457013, MONDO:0008673, OMIM 193530.
Ellis-van Creveld syndrome (EVC). Also called: EVC-Related Ellis-van Creveld Syndrome; EVC2-Related Ellis-van Creveld Syndrome; MESOECTODERMAL DYSPLASIA; Chondroectodermal dysplasia. Identifiers: Orphanet 289, MedGen C0013903, MONDO:0009162, OMIM 225500.

gnomAD v4.1: 4 of 1,613,944 alleles (0.00025%); highest among the groups gnomAD compares: Admixed American, 0.0017%; no homozygotes.

Submissions (2):

Labcorp Genetics (formerly Invitae), Labcorp
Classification: Uncertain significance for Curry-Hall syndrome; Ellis-van Creveld syndrome. Last evaluated: 2025-09-17. Review status: criteria provided, single submitter. Criteria: Invitae Variant Classification Sherloc (09022015). Collection method: clinical testing. Allele origin: germline.
Comment: This sequence change replaces leucine, which is neutral and non-polar, with valine, which is neutral and non-polar, at codon 228 of the EVC protein (p.Leu228Val). This variant is present in population databases (no rsID available, gnomAD 0.003%). This variant has not been reported in the literature in individuals affected with EVC-related conditions. Invitae Evidence Modeling of protein sequence and biophysical properties (such as structural, functional, and spatial information, amino acid conservation, physicochemical variation, residue mobility, and thermodynamic stability) has been performed for this missense variant. However, the output from this modeling did not meet the statistical confidence thresholds required to predict the impact of this variant on EVC protein function. In summary, the available evidence is currently insufficient to determine the role of this variant in disease. Therefore, it has been classified as a Variant of Uncertain Significance.

Ambry Genetics
Classification: Uncertain significance for Inborn genetic diseases. Last evaluated: 2025-06-29. Review status: criteria provided, single submitter. Criteria: Ambry Variant Classification Scheme 2023. Collection method: clinical testing. Allele origin: germline.